The following is an entry in ClinVar:

ClinVar aggregate classification (germline): Pathogenic (1 of 4 stars; one submission).

Conditions:
Autism spectrum disorder due to AUTS2 deficiency (MRD26). Also called: INTELLECTUAL DEVELOPMENTAL DISORDER, AUTOSOMAL DOMINANT 26. Identifiers: Orphanet 352490, MedGen C4014435, MONDO:0014361, OMIM 615834.

Submission:

Centre of Medical Genetics, University Hospital Muenster
Classification: Pathogenic for Autism spectrum disorder due to AUTS2 deficiency. Last evaluated: 2022-11-10. Review status: criteria provided, single submitter. Criteria: ACMG Guidelines, 2015. Collection method: clinical testing. Allele origin: unknown. Affected: yes. Observed: 1 variant allele, 1 heterozygote.
Comment: ACMG categories: PVS1,PM2,PP3

NM_015570.4(AUTS2):c.390_393dup (p.Gly132fs)

Gene: AUTS2 (activator of transcription and developmental regulator AUTS2; plus strand). Cytogenetic location: 7q11.22.
Variant type: Duplication.
Coding change: c.390_393dup on transcript NM_015570.4 (MANE Select); coding-DNA positions 390 to 393, 4 bases duplicated (CAAT; older notation c.390_393dupCAAT).
Protein change: p.Gly132fs; shifts the reading frame from glycine 132.
Molecular consequence: frameshift variant.
Genome position (GRCh38, 1-based): chr7:69,899,366-69,899,369, CAAT duplicated. VCF-style (leftmost placement, unchanged base first): chr7-69899365-C-CCAAT. GRCh37 (hg19) VCF-style: chr7-69364351-C-CCAAT.
Other names: c.390_393dup, p.Gly132fs (NM_001127231.3, NM_001127232.3); short protein forms G132fs.
Identifiers: ClinVar variation 2430359 (VCV002430359.2), dbSNP rs2486557537, ClinGen allele CA2580077320.
Genomic context (GRCh38, chr7:69,899,365, plus strand): 5'-CTCAGGAACGTGTGGAGAAACGCCAGACGCCCCTGACCAAGAAGAAACGAGAAGCACTTA[C>CCAAT]CAATGGCTTGTCCTTTCATTCAAAGAAGAGCAGACTCAGCCACCCACACCACTACAGCTC-3'